The following is an entry in ClinVar:

ClinVar aggregate classification (germline): Likely benign. Review status: criteria provided, multiple submitters, no conflicts (2 of 4 stars). 2 submissions from 2 submitters: Likely benign (2). Last evaluated 2025-09-16.

Conditions:
EHMT1-related disorder. Also called: EHMT1-related condition.
Kleefstra syndrome 1 (KLEFS1). Identifiers: Orphanet 261494, MedGen C0795833, MONDO:0027407, OMIM 610253.

Allele frequency attached by ClinVar (database versions not stated): gnomAD exomes below 0.00001.
gnomAD v4.1: 4 of 1,614,208 alleles (0.00025%); highest among the groups gnomAD compares: Non-Finnish European, 0.000085%; no homozygotes.

Submissions (2):

Labcorp Genetics (formerly Invitae), Labcorp
Classification: Likely benign for Kleefstra syndrome 1. Last evaluated: 2025-09-16. Review status: criteria provided, single submitter. Criteria: Invitae Variant Classification Sherloc (09022015). Collection method: clinical testing. Allele origin: germline.

PreventionGenetics, part of Exact Sciences
Classification: Likely benign for EHMT1-related condition. Last evaluated: 2024-12-26. Review status: criteria provided, single submitter. Criteria: ACMG Guidelines, 2015. Collection method: clinical testing. Allele origin: germline.
Comment: This variant is classified as likely benign based on ACMG/AMP sequence variant interpretation guidelines (Richards et al. 2015 PMID: 25741868, with internal and published modifications).

NM_024757.5(EHMT1):c.2383-7T>C

Gene: EHMT1 (euchromatic histone lysine methyltransferase 1; plus strand). Cytogenetic location: 9q34.3.
Variant type: single nucleotide variant.
Coding change: c.2383-7T>C on transcript NM_024757.5 (MANE Select); 7 bases into the intron before coding-DNA position 2383, T replaced by C.
Molecular consequence: intron variant.
Genome position (GRCh38, 1-based): chr9:137,790,841, T>C. VCF-style: chr9-137790841-T-C. GRCh37 (hg19) VCF-style: chr9-140685293-T-C.
Other names: c.2383-7T>C (NM_024757.4); c.2362-7T>C (NM_001354263.2); c.2290-7T>C (NM_001354259.2).
Identifiers: ClinVar variation 2157099 (VCV002157099.5), dbSNP rs1952472436, ClinGen allele CA1884674067.